The following is an entry in ClinVar:

GRCh38/hg38 6q22.1-22.31(chr6:117512705-118595464)x3

Genes: CEP85L (centrosomal protein 85L; minus strand), DCBLD1 (discoidin, CUB and LCCL domain containing 1; plus strand), GOPC (golgi associated PDZ and coiled-coil motif containing; minus strand), NUS1 (NUS1 dehydrodolichyl diphosphate synthase subunit; plus strand), PLN (phospholamban; plus strand) and 20 more. Cytogenetic location: 6q22.1-22.31.
Variant type: copy number gain.
Change: copy number 3 (three copies instead of two) of chr6:117,512,705-118,595,464 (1.08 Mb, GRCh38 coordinates, 1-based), cytogenetic band 6q22.1-22.31.
Identifiers: ClinVar variation 4890928 (VCV004890928.1).

ClinVar aggregate classification (germline): Uncertain significance (1 of 4 stars; one submission).

Submission:

Clinical Genomics Laboratory, Laboratory for Precision Diagnostics, University of Washington
Classification: Uncertain significance. Last evaluated: 2023-03-31. Review status: criteria provided, single submitter. Criteria: ACMG/ClinGen CNV Guidelines, 2019. Collection method: clinical testing. Allele origin: unknown. Affected: yes. Observed: 1 variant allele.
Comment: This interstitial duplication affects 6 protein-coding elements but doesn’t overlap any known dosage sensitive genes or regions. A review of public databases (ClinVar, DECIPHER) and the medical literature found no people with a similar duplication. No similar duplications appear in healthy control populations (DGV and gnomAD). This duplication fully encompasses PLN. Variants in PLN are definitively associated with intrinsic cardiomyopathy (ClinGen), but the genetic mechanism is unclear. PLN is encoded by one exon, and missense, nonsense, and frameshift variants in the coding exon and the promoter region have been reported. Wu et al. (2017) found a de novo 360 kb duplication of 6q22.31 fully encompassing both PLN and CEP85L in a person with a complex congenital heart defect (TGA, VSD, ASD). Sanchez-Castro et al. found a similar, maternally-inherited, duplication of PLN and CEP85L in a person with transposition of the great arteries. However, this small duplication also appears in healthy control populations (gssvG33073 0.04%).

Literature cited by the submitters: PubMed 26643481; PubMed 28472932.